The following is an entry in ClinVar:

ClinVar aggregate classification (germline): Benign/Likely benign. Review status: criteria provided, multiple submitters, no conflicts (2 of 4 stars). 2 submissions from 2 submitters: Benign (1); Likely benign (1). Last evaluated 2026-08-14.

Conditions:
SCN11A-related disorder. Also called: SCN11A-related condition.
Familial episodic pain syndrome with predominantly lower limb involvement. Also called: Episodic pain syndrome, familial, 3. Identifiers: Orphanet 391384, Orphanet 391392, MedGen C3809899, MONDO:0014247, OMIM 615552.
Hereditary sensory and autonomic neuropathy type 7. Also called: HSAN VII; Neuropathy, hereditary sensory and autonomic, type VII. Identifiers: Orphanet 391397, MedGen C3809882, MONDO:0014244, OMIM 615548.

Allele frequency attached by ClinVar (database versions not stated): gnomAD exomes 0.00001 and 0.00005; ExAC 0.00005; gnomAD 0.00005 and 0.00007.
gnomAD v4.1: 20 of 1,540,426 alleles (0.0013%); highest among the groups gnomAD compares: East Asian, 0.044%; no homozygotes.

Submissions (2):

PreventionGenetics, part of Exact Sciences
Classification: Likely benign for SCN11A-related condition. Last evaluated: 2026-08-14. Review status: criteria provided, single submitter. Criteria: ACMG Guidelines, 2015. Collection method: clinical testing. Allele origin: germline.
Comment: This variant is classified as likely benign based on ACMG/AMP sequence variant interpretation guidelines (Richards et al. 2015 PMID: 25741868, with internal and published modifications).

Labcorp Genetics (formerly Invitae), Labcorp
Classification: Benign for Familial episodic pain syndrome with predominantly lower limb involvement; Hereditary sensory and autonomic neuropathy type 7. Last evaluated: 2025-10-20. Review status: criteria provided, single submitter. Criteria: Invitae Variant Classification Sherloc (09022015). Collection method: clinical testing. Allele origin: germline.

NM_001349253.2(SCN11A):c.252C>T (p.Phe84=)

Gene: SCN11A (sodium voltage-gated channel alpha subunit 11; minus strand). Cytogenetic location: 3p22.2.
Variant type: single nucleotide variant.
Coding change: c.252C>T on transcript NM_001349253.2 (MANE Select); coding-DNA position 252, C replaced by T.
Protein change: p.Phe84=; no amino-acid change (phenylalanine 84 retained).
Molecular consequence: synonymous variant.
Genome position (GRCh38, 1-based): chr3:38,950,111, G>A on the plus strand (C>T on the coding strand, the complement: SCN11A is on the minus strand). VCF-style: chr3-38950111-G-A. GRCh37 (hg19) VCF-style: chr3-38991602-G-A.
Other names: c.252C>T, p.Phe84= (NM_014139.3); c.252C>T (NM_014139.2).
Identifiers: ClinVar variation 1167825 (VCV001167825.8), dbSNP rs777393030, ClinGen allele CA2322746.